The following is an entry in ClinVar:

ClinVar aggregate classification (germline): Uncertain significance (1 of 4 stars; one submission).

Conditions:
Cardiovascular phenotype. Identifiers: MedGen CN230736.

gnomAD v4.1: 4 of 1,611,936 alleles (0.00025%); highest among the groups gnomAD compares: Non-Finnish European, 0.00034%; no homozygotes.

Submission:

Molecular Diagnostic Laboratory for Inherited Cardiovascular Disease, Montreal Heart Institute
Classification: Uncertain significance for Cardiovascular phenotype. Last evaluated: 2025-07-24. Review status: criteria provided, single submitter. Criteria: ACMG Guidelines, 2015. Collection method: clinical testing. Allele origin: germline. Affected: yes.
Comment: PM2

NM_032588.4(TRIM63):c.208G>A (p.Gly70Arg)

Gene: TRIM63 (tripartite motif containing 63; minus strand). Cytogenetic location: 1p36.11.
Variant type: single nucleotide variant.
Coding change: c.208G>A on transcript NM_032588.4 (MANE Select); coding-DNA position 208, G replaced by A.
Protein change: p.Gly70Arg; replaces glycine 70 with arginine.
Molecular consequence: missense variant.
Genome position (GRCh38, 1-based): chr1:26,066,392, C>T on the plus strand (G>A on the coding strand, the complement: TRIM63 is on the minus strand). VCF-style: chr1-26066392-C-T. GRCh37 (hg19) VCF-style: chr1-26392883-C-T.
Other names: short protein forms G70R.
Identifiers: ClinVar variation 4076420 (VCV004076420.1), dbSNP rs755450272.
Genomic context (GRCh38, chr1:26,066,392, plus strand): 5'-ACACTCCGTGACGATCCATGATCACCTCGTGGCGGCAGGTGGGGCAGCGGAAACGGCCTC[C>T]AGACATGGACACTGAGCTGCCCCGGCTGGTCCAGTAGGGATTTGCAGCCTGCAGGTGGCA-3'
Protein context (NP_115977.2, residues 60-80): TSRGSSVSMS[Gly70Arg]GRFRCPTCRH